The following is an entry in ClinVar:

ClinVar aggregate classification (germline): Conflicting classifications of pathogenicity. Review status: criteria provided, conflicting classifications (1 of 4 stars). 7 submissions from 7 submitters: Uncertain significance (6); Likely benign (1). Last evaluated 2026-07-13.

Conditions:
PLEC-related disorder. Also called: PLEC-related condition; PLEC-related disorders.
Epidermolysis bullosa simplex 5C, with pyloric atresia (EBS5C). Also called: PLEC-Related Epidermolysis Bullosa with Pyloric Atresia; Epidermolysis bullosa simplex with pyloric atresia; PLEC1-Related Epidermolysis Bullosa with Pyloric Atresia. Identifiers: Orphanet 158684, MedGen C2677349, MONDO:0012807, OMIM 612138.
Epidermolysis bullosa simplex with nail dystrophy (EBS5D). Identifiers: MedGen C4225309, MONDO:0014661, OMIM 616487.
Autosomal recessive limb-girdle muscular dystrophy type 2Q (LGMDR17). Also called: MUSCULAR DYSTROPHY, LIMB-GIRDLE, AUTOSOMAL RECESSIVE 17. Identifiers: Orphanet 254361, MedGen C3150989, MONDO:0013390, OMIM 613723.
Epidermolysis bullosa simplex, Ogna type (EBS5A). Also called: Pidermolysis bullosa simplex 5A, Ogna type; EPIDERMOLYSIS BULLOSA SIMPLEX 5A, OGNA TYPE. Identifiers: Orphanet 79401, MedGen C0432317, MONDO:0007555, OMIM 131950.
Epidermolysis bullosa simplex 5B, with muscular dystrophy (EBS5B). Also called: EPIDERMOLYSIS BULLOSA SIMPLEX AND LIMB-GIRDLE MUSCULAR DYSTROPHY; Epidermolysis bullosa simplex with muscular dystrophy. Identifiers: Orphanet 257, MedGen C2931072, MONDO:0009181, OMIM 226670.
Inborn genetic diseases. Identifiers: MedGen C0950123, MeSH D030342.

Allele frequency attached by ClinVar (database versions not stated): gnomAD exomes 0.00008; ExAC 0.00009; gnomAD 0.00009 and 0.00011; TOPMed 0.00010.
gnomAD v4.1: 689 of 1,605,188 alleles (0.043%); highest among the groups gnomAD compares: Non-Finnish European, 0.058%; no homozygotes.

Submissions (7):

PreventionGenetics, part of Exact Sciences
Classification: Uncertain significance for PLEC-related condition. Last evaluated: 2026-07-13. Review status: criteria provided, single submitter. Criteria: ACMG Guidelines, 2015. Collection method: clinical testing. Allele origin: germline.
Comment: The PLEC c.13552A>G variant is predicted to result in the amino acid substitution p.Thr4518Ala. To our knowledge, this variant has not been reported in the literature. This variant is reported in 0.018% of alleles in individuals of European (Non-Finnish) descent in gnomAD. At this time, the clinical significance of this variant is uncertain due to the absence of conclusive functional and genetic evidence.

Labcorp Genetics (formerly Invitae), Labcorp
Classification: Uncertain significance for Autosomal recessive limb-girdle muscular dystrophy type 2Q; Epidermolysis bullosa simplex, Ogna type; Epidermolysis bullosa simplex with nail dystrophy; Epidermolysis bullosa simplex 5C, with pyloric atresia; Epidermolysis bullosa simplex 5B, with muscular dystrophy. Last evaluated: 2026-01-16. Review status: criteria provided, single submitter. Criteria: Invitae Variant Classification Sherloc (09022015). Collection method: clinical testing. Allele origin: germline.
Comment: This sequence change replaces threonine, which is neutral and polar, with alanine, which is neutral and non-polar, at codon 4518 of the PLEC protein (p.Thr4518Ala). This variant is present in population databases (rs782756146, gnomAD 0.02%). This variant has not been reported in the literature in individuals affected with PLEC-related conditions. ClinVar contains an entry for this variant (Variation ID: 288999). An algorithm developed to predict the effect of missense changes on protein structure and function outputs the following: PolyPhen-2: "Not Available". The alanine amino acid residue is found in multiple mammalian species, which suggests that this missense change does not adversely affect protein function. In summary, the available evidence is currently insufficient to determine the role of this variant in disease. Therefore, it has been classified as a Variant of Uncertain Significance.

Revvity Omics, Revvity
Classification: Uncertain significance. Last evaluated: 2025-05-06. Review status: criteria provided, single submitter. Criteria: ACMG Guidelines, 2015. Collection method: clinical testing. Allele origin: germline.

Ambry Genetics
Classification: Uncertain significance for Inborn genetic diseases. Last evaluated: 2023-01-26. Review status: criteria provided, single submitter. Criteria: Ambry Variant Classification Scheme 2023. Collection method: clinical testing. Allele origin: germline.

Athena Diagnostics
Classification: Uncertain significance. Last evaluated: 2022-05-24. Review status: criteria provided, single submitter. Criteria: Athena Diagnostics Criteria. Collection method: clinical testing. Allele origin: unknown.

Eurofins Ntd Llc (ga)
Classification: Uncertain significance. Last evaluated: 2017-12-07. Review status: criteria provided, single submitter. Criteria: EGL Classification Definitions 2015. Collection method: clinical testing. Allele origin: germline. Observed: 2 variant alleles, 2 heterozygotes.

GeneDx
Classification: Likely benign. Last evaluated: 2017-07-31. Review status: criteria provided, single submitter. Criteria: GeneDx Variant Classification (06012015). Collection method: clinical testing. Allele origin: germline. Affected: yes.
Comment: This variant is considered likely benign or benign based on one or more of the following criteria: it is a conservative change, it occurs at a poorly conserved position in the protein, it is predicted to be benign by multiple in silico algorithms, and/or has population frequency not consistent with disease.

NM_201384.3(PLEC):c.13471A>G (p.Thr4491Ala)

Gene: PLEC (plectin; minus strand). Cytogenetic location: 8q24.3.
Variant type: single nucleotide variant.
Coding change: c.13471A>G on transcript NM_201384.3 (MANE Select); coding-DNA position 13471, A replaced by G.
Protein change: p.Thr4491Ala; replaces threonine 4491 with alanine.
Molecular consequence: missense variant.
Genome position (GRCh38, 1-based): chr8:143,916,350, T>C on the plus strand (A>G on the coding strand, the complement: PLEC is on the minus strand). VCF-style: chr8-143916350-T-C. GRCh37 (hg19) VCF-style: chr8-144990518-T-C.
Other names: c.13552A>G, p.Thr4518Ala (NM_000445.5); c.13429A>G, p.Thr4477Ala (NM_201378.4); c.13405A>G, p.Thr4469Ala (NM_201379.3); c.13882A>G, p.Thr4628Ala (NM_201380.4); c.13375A>G, p.Thr4459Ala (NM_201381.3); c.13471A>G, p.Thr4491Ala (NM_201382.4); c.13483A>G, p.Thr4495Ala (NM_201383.3); short protein forms T4469A, T4477A, T4459A, T4491A, T4495A, T4518A, T4628A.
Identifiers: ClinVar variation 288999 (VCV000288999.19), dbSNP rs782756146, ClinGen allele CA4923795.